The following is an entry in ClinVar:

NM_001321120.2(TBX4):c.1515G>A (p.Lys505=)

Gene: TBX4 (T-box transcription factor 4; plus strand). Cytogenetic location: 17q23.2.
Variant type: single nucleotide variant.
Coding change: c.1515G>A on transcript NM_001321120.2 (MANE Select); coding-DNA position 1515, G replaced by A.
Protein change: p.Lys505=; no amino-acid change (lysine 505 retained).
Molecular consequence: synonymous variant.
Genome position (GRCh38, 1-based): chr17:61,483,390, G>A. VCF-style: chr17-61483390-G-A. GRCh37 (hg19) VCF-style: chr17-59560751-G-A.
Other names: c.1515G>A, p.Lys505= (LRG_1206t1); c.1512G>A, p.Lys504= (NM_018488.3).
Identifiers: ClinVar variation 324263 (VCV000324263.40), dbSNP rs117324438, ClinGen allele CA8690115.

ClinVar aggregate classification (germline): Benign/Likely benign. Review status: criteria provided, multiple submitters, no conflicts (2 of 4 stars). 5 submissions from 5 submitters: Benign (3); Likely benign (2). Last evaluated 2026-01-27.

Conditions:
Coxopodopatellar syndrome. Also called: Congenital coxa vara, patella aplasia and tarsal synostosis; SCOTT-TAOR SYNDROME; Small patella syndrome; ISCHIOCOXOPODOPATELLAR SYNDROME; PATELLA APLASIA, COXA VARA, AND TARSAL SYNOSTOSIS; ISCHIOCOXOPODOPATELLAR SYNDROME WITH OR WITHOUT PULMONARY ARTERIAL HYPERTENSION. Identifiers: Orphanet 1509, MedGen C1840061, MONDO:0007841, OMIM 147891.

Allele frequency attached by ClinVar (database versions not stated): 1000 Genomes Project 0.00080; 1000 Genomes Project 30x 0.00094; ExAC 0.00199; gnomAD 0.00218 and 0.00222; TOPMed 0.00218; gnomAD exomes 0.00222 and 0.00250; ESP Exome Variant Server 0.00269.
gnomAD v4.1: 4,011 of 1,611,166 alleles (0.25%); highest among the groups gnomAD compares: Middle Eastern, 0.33%; 11 homozygotes.

Submissions (5):

Labcorp Genetics (formerly Invitae), Labcorp
Classification: Benign. Last evaluated: 2026-01-27. Review status: criteria provided, single submitter. Criteria: Invitae Variant Classification Sherloc (09022015). Collection method: clinical testing. Allele origin: germline.

CeGaT Center for Human Genetics Tuebingen
Classification: Likely benign. Last evaluated: 2025-01-01. Review status: criteria provided, single submitter. Criteria: CeGaT Center For Human Genetics Tuebingen Variant Classification Criteria Version 2. Collection method: clinical testing. Allele origin: germline. Affected: yes. Observed: 2 variant alleles.
Comment: TBX4: BP4, BP7

Blueprint Genetics
Classification: Likely benign. Last evaluated: 2024-11-05. Review status: criteria provided, single submitter. Criteria: ACMG Guidelines, 2015. Collection method: clinical testing. Allele origin: germline.

Illumina Laboratory Services, Illumina
Classification: Benign for Coxopodopatellar syndrome. Last evaluated: 2018-01-13. Review status: criteria provided, single submitter. Criteria: ICSL Variant Classification Criteria 13 December 2019. Collection method: clinical testing. Allele origin: germline.
Comment: This variant was observed in the ICSL laboratory as part of a predisposition screen in an ostensibly healthy population. It had not been previously curated by ICSL or reported in the Human Gene Mutation Database (HGMD: prior to June 1st, 2018), and was therefore a candidate for classification through an automated scoring system. Utilizing variant allele frequency, disease prevalence and penetrance estimates, and inheritance mode, an automated score was calculated to assess if this variant is too frequent to cause the disease. Based on the score and internal cut-off values, a variant classified as benign is not then subjected to further curation. The score for this variant resulted in a classification of benign for this disease.

Breakthrough Genomics
Classification: Benign. Review status: criteria provided, single submitter. Criteria: ACMG Guidelines, 2015. Collection method: not provided. Allele origin: germline. Inheritance: Autosomal recessive inheritance. Affected: yes.